The following is an entry in ClinVar:

NM_000179.3(MSH6):c.1338A>C (p.Glu446Asp)

Gene: MSH6 (mutS homolog 6; plus strand). Cytogenetic location: 2p16.3.
Variant type: single nucleotide variant.
Coding change: c.1338A>C on transcript NM_000179.3 (MANE Select); coding-DNA position 1338, A replaced by C.
Protein change: p.Glu446Asp; replaces glutamic acid 446 with aspartic acid.
Molecular consequence: missense variant. On other transcripts: non-coding transcript variant (4), intron variant (1).
Genome position (GRCh38, 1-based): chr2:47,799,321, A>C. VCF-style: chr2-47799321-A-C. GRCh37 (hg19) VCF-style: chr2-48026460-A-C.
Other names: c.948A>C, p.Glu316Asp (NM_001281492.2); c.432A>C, p.Glu144Asp (NM_001281493.2, NM_001281494.2, NM_001406823.1 and 6 more transcripts); c.1434A>C, p.Glu478Asp (NM_001406795.1, NM_001406802.1); c.1338A>C, p.Glu446Asp (NM_001406796.1, NM_001406798.1, NM_001406800.1 and 4 more transcripts); c.1041A>C, p.Glu347Asp (NM_001406797.1, NM_001406801.1, NM_001406805.1 and 10 more transcripts); c.813A>C, p.Glu271Asp (NM_001406799.1, NM_001406806.1, NM_001406807.1); c.1260A>C, p.Glu420Asp (NM_001406804.1); c.1344A>C, p.Glu448Asp (NM_001406813.1); and 2 more; short protein forms E316D, E144D, E390D, E448D, E271D, E420D, E478D, E347D.
Identifiers: ClinVar variation 2859099 (VCV002859099.3), dbSNP rs587779211, ClinGen allele CA346744577.

ClinVar aggregate classification (germline): Uncertain significance (1 of 4 stars; one submission).

Conditions:
Hereditary nonpolyposis colorectal neoplasms. Identifiers: MedGen C0009405, MeSH D003123.

Submission:

Labcorp Genetics (formerly Invitae), Labcorp
Classification: Uncertain significance for Hereditary nonpolyposis colorectal neoplasms. Last evaluated: 2023-04-25. Review status: criteria provided, single submitter. Criteria: Invitae Variant Classification Sherloc (09022015). Collection method: clinical testing. Allele origin: germline.
Comment: This sequence change replaces glutamic acid, which is acidic and polar, with aspartic acid, which is acidic and polar, at codon 446 of the MSH6 protein (p.Glu446Asp). In summary, the available evidence is currently insufficient to determine the role of this variant in disease. Therefore, it has been classified as a Variant of Uncertain Significance. Advanced modeling of protein sequence and biophysical properties (such as structural, functional, and spatial information, amino acid conservation, physicochemical variation, residue mobility, and thermodynamic stability) performed at Invitae indicates that this missense variant is not expected to disrupt MSH6 protein function. This missense change has been observed in individual(s) with clinical features of Lynch syndrome (PMID: 28874130). This variant is not present in population databases (gnomAD no frequency).

Literature cited by the submitters: PubMed 28874130.